The following is an entry in ClinVar:

ClinVar aggregate classification (germline): Uncertain significance (1 of 4 stars; one submission).

Submission:

Labcorp Genetics (formerly Invitae), Labcorp
Classification: Uncertain significance. Last evaluated: 2022-10-17. Review status: criteria provided, single submitter. Criteria: Invitae Variant Classification Sherloc (09022015). Collection method: clinical testing. Allele origin: germline.
Comment: In summary, the available evidence is currently insufficient to determine the role of this variant in disease. Therefore, it has been classified as a Variant of Uncertain Significance. Advanced modeling of protein sequence and biophysical properties (such as structural, functional, and spatial information, amino acid conservation, physicochemical variation, residue mobility, and thermodynamic stability) performed at Invitae indicates that this missense variant is not expected to disrupt MCPH1 protein function. This variant has not been reported in the literature in individuals affected with MCPH1-related conditions. This variant is not present in population databases (gnomAD no frequency). This sequence change replaces threonine, which is neutral and polar, with serine, which is neutral and polar, at codon 220 of the MCPH1 protein (p.Thr220Ser).

NM_024596.5(MCPH1):c.659C>G (p.Thr220Ser)

Gene: MCPH1 (microcephalin 1; plus strand). Cytogenetic location: 8p23.1.
Variant type: single nucleotide variant.
Coding change: c.659C>G on transcript NM_024596.5 (MANE Select); coding-DNA position 659, C replaced by G.
Protein change: p.Thr220Ser; replaces threonine 220 with serine.
Molecular consequence: missense variant. On other transcripts: non-coding transcript variant (1).
Genome position (GRCh38, 1-based): chr8:6,442,145, C>G. VCF-style: chr8-6442145-C-G. GRCh37 (hg19) VCF-style: chr8-6299666-C-G.
Other names: c.659C>G, p.Thr220Ser (NM_001172574.2, NM_001322042.2, NM_001363979.1 and 3 more transcripts); c.515C>G, p.Thr172Ser (NM_001172575.2); c.653C>G, p.Thr218Ser (NM_001322043.2); c.557C>G, p.Thr186Ser (NM_001322045.2); short protein forms T172S, T218S, T220S, T186S.
Identifiers: ClinVar variation 1950973 (VCV001950973.5), dbSNP rs1803610315, ClinGen allele CA370219111.